The following is an entry in ClinVar:

NM_024675.4(PALB2):c.3202-15_3209del

Gene: PALB2 (partner and localizer of BRCA2; minus strand). Cytogenetic location: 16p12.2.
Variant type: Deletion.
Coding change: c.3202-15_3209del on transcript NM_024675.4 (MANE Select); 15 bases into the intron before coding-DNA position 3202 through coding-DNA position 3209, 23 bases deleted (TTTCTCCGAAATTAGGGGCTTCT).
Molecular consequence: splice acceptor variant. On other transcripts: intron variant (8).
Genome position (GRCh38, 1-based): chr16:23,608,005-23,608,027, AGAAGCCCCTAATTTCGGAGAAA deleted on the plus strand (TTTCTCCGAAATTAGGGGCTTCT on the coding strand, the reverse complement: PALB2 is on the minus strand); deleting any 23 consecutive bases within chr16:23,608,005-23,608,028 gives the same sequence; the c. name uses the placement nearest the transcript's 3' end. VCF-style (leftmost placement, unchanged base first): chr16-23608004-GAGAAGCCCCTAATTTCGGAGAAA-G. GRCh37 (hg19) VCF-style: chr16-23619325-GAGAAGCCCCTAATTTCGGAGAAA-G.
Other names: c.2229-4358_2229-4336del (NM_001407308.1, NM_001407309.1); c.2317-15_2324del (NM_001407306.1, NM_001407305.1, NM_001407304.1); c.736-15_743del (NM_001407314.1); c.1414-4358_1414-4336del (NM_001407313.1); c.1414-15_1421del (NM_001407312.1); c.3142-15_3149del (NM_001407296.1); c.3130-15_3137del (NM_001407297.1); c.3040-4358_3040-4336del (NM_001407302.1); and 6 more.
Identifiers: ClinVar variation 2673838 (VCV002673838.1), dbSNP rs2506219319, ClinGen allele CA2695197598.

ClinVar aggregate classification (germline): Likely pathogenic (1 of 4 stars; one submission).

Conditions:
Familial cancer of breast. Also called: Hereditary breast cancer; BREAST CANCER, FAMILIAL; hereditary breast carcinoma. Identifiers: Orphanet 227535, MedGen C0346153, MONDO:0016419, OMIM 114480. Disease mechanism: loss of function.

Submission:

Myriad Genetics, Inc.
Classification: Likely pathogenic for Familial cancer of breast. Last evaluated: 2023-09-14. Review status: criteria provided, single submitter. Criteria: Myriad Autosomal Dominant, Autosomal Recessive and X-Linked Classification Criteria (2023). Collection method: clinical testing. Allele origin: unknown.
Comment: This variant is considered likely pathogenic. This variant occurs within a consensus splice junction and is predicted to result in abnormal mRNA splicing of either an out-of-frame exon or an in-frame exon necessary for protein stability and/or normal function.